The following is an entry in ClinVar:

NM_002432.3(MNDA):c.1210A>G (p.Met404Val)

Gene: MNDA (myeloid cell nuclear differentiation antigen; plus strand). Cytogenetic location: 1q23.1.
Variant type: single nucleotide variant.
Coding change: c.1210A>G on transcript NM_002432.3 (MANE Select); coding-DNA position 1210, A replaced by G.
Protein change: p.Met404Val; replaces methionine 404 with valine.
Molecular consequence: missense variant.
Genome position (GRCh38, 1-based): chr1:158,849,223, A>G. VCF-style: chr1-158849223-A-G. GRCh37 (hg19) VCF-style: chr1-158819013-A-G.
Other names: short protein forms M404V.
Identifiers: ClinVar variation 2560430 (VCV002560430.2), dbSNP rs199984814, ClinGen allele CA31309105.

ClinVar aggregate classification (germline): Uncertain significance (1 of 4 stars; one submission).

Allele frequency attached by ClinVar (database versions not stated): TOPMed below 0.00001; gnomAD exomes 0.00002.
gnomAD v4.1: 32 of 1,612,234 alleles (0.002%); highest among the groups gnomAD compares: Non-Finnish European, 0.0027%; no homozygotes.

Submission:

Ambry Genetics
Classification: Uncertain significance. Last evaluated: 2023-05-04. Review status: criteria provided, single submitter. Criteria: Ambry Variant Classification Scheme 2023. Collection method: clinical testing. Allele origin: germline.
Comment: The p.M404V variant (also known as c.1210A>G), located in coding exon 6 of the MNDA gene, results from an A to G substitution at nucleotide position 1210. The methionine at codon 404 is replaced by valine, an amino acid with highly similar properties. This amino acid position is conserved. In addition, this alteration is predicted to be tolerated by in silico analysis. Since supporting evidence is limited at this time, the clinical significance of this alteration remains unclear.